The following is an entry in ClinVar:

ClinVar aggregate classification (germline): Pathogenic. Review status: criteria provided, multiple submitters, no conflicts (2 of 4 stars). 5 submissions from 5 submitters: Pathogenic (5). Last evaluated 2025-10-29.

Conditions:
Cardiovascular phenotype. Identifiers: MedGen CN230736.
Hereditary cancer-predisposing syndrome. Also called: Neoplastic Syndromes, Hereditary; Tumor predisposition; Hereditary Cancer Syndrome; Hereditary neoplastic syndrome. Identifiers: Orphanet 140162, MedGen C0027672, MeSH D009386, MONDO:0015356.
Neurofibromatosis, type 1 (NF1). Also called: NEUROFIBROMATOSIS, TYPE I, SOMATIC; Peripheral type neurofibromatosis; Neurofibromatosis, type I; VON RECKLINGHAUSEN DISEASE. Identifiers: Orphanet 636, MedGen C0027831, MONDO:0018975, OMIM 162200. Disease mechanism: loss of function.

Allele frequency attached by ClinVar (database versions not stated): gnomAD exomes below 0.00001.
gnomAD v4.1: 1 of 1,613,942 alleles (0.000062%); highest among the groups gnomAD compares: Non-Finnish European, 0.000085%; no homozygotes.

Submissions (5):

Labcorp Genetics (formerly Invitae), Labcorp
Classification: Pathogenic for Neurofibromatosis, type 1. Last evaluated: 2025-10-29. Review status: criteria provided, single submitter. Criteria: Invitae Variant Classification Sherloc (09022015). Collection method: clinical testing. Allele origin: germline.
Comment: This sequence change creates a premature translational stop signal (p.Gln1235*) in the NF1 gene. It is expected to result in an absent or disrupted protein product. Loss-of-function variants in NF1 are known to be pathogenic (PMID: 10712197, 23913538). This variant is not present in population databases (gnomAD no frequency). This premature translational stop signal has been observed in individuals with neurofibromatosis type 1 (PMID: 15146469, 21354044, 26969325). Invitae Evidence Modeling of clinical and family history, age, sex, and reported ancestry of multiple individuals with this NF1 variant has been performed. This variant is expected to be pathogenic with a positive predictive value of at least 99%. This is a validated machine learning model that incorporates the clinical features of 1,785,918 individuals referred to our laboratory for NF1 testing. ClinVar contains an entry for this variant (Variation ID: 523788). For these reasons, this variant has been classified as Pathogenic.

GeneDx
Classification: Pathogenic. Last evaluated: 2023-10-19. Review status: criteria provided, single submitter. Criteria: GeneDx Variant Classification Process June 2021. Collection method: clinical testing. Allele origin: germline. Affected: yes.
Comment: Nonsense variant predicted to result in protein truncation or nonsense mediated decay in a gene for which loss of function is a known mechanism of disease; Not observed at significant frequency in large population cohorts (gnomAD); This variant is associated with the following publications: (PMID: 25525159, 21354044, 15146469, 26786923, 26969325)

Ambry Genetics
Classification: Pathogenic for Cardiovascular phenotype; Hereditary cancer-predisposing syndrome. Last evaluated: 2022-11-18. Review status: criteria provided, single submitter. Criteria: Ambry Variant Classification Scheme 2023. Collection method: clinical testing. Allele origin: germline.
Comment: The p.Q1235* pathogenic mutation (also known as c.3703C>T), located in coding exon 27 of the NF1 gene, results from a C to T substitution at nucleotide position 3703. This changes the amino acid from a glutamine to a stop codon within coding exon 27. This alteration has been identified in multiple individuals with a clinical diagnosis of neurofibromatosis type 1 (NF1) (De Luca A et al. Hum Mutat, 2004 Jun;23:629; Valero MC et al. J Mol Diagn, 2011 Mar;13:113-22; Hutter S et al. Hum Genet, 2016 May;135:469-475). This variant is considered to be rare based on population cohorts in the Genome Aggregation Database (gnomAD). In addition to the clinical data presented in the literature, this alteration is expected to result in loss of function by premature protein truncation or nonsense-mediated mRNA decay. As such, this alteration is interpreted as a disease-causing mutation.

Genome-Nilou Lab
Classification: Pathogenic for Neurofibromatosis, type 1. Last evaluated: 2022-03-15. Review status: criteria provided, single submitter. Criteria: ACMG Guidelines, 2015. Collection method: clinical testing. Allele origin: germline. Affected: no.

Genome Diagnostics Laboratory, The Hospital for Sick Children
Classification: Pathogenic for Neurofibromatosis, type 1. Last evaluated: 2020-10-26. Review status: criteria provided, single submitter. Criteria: ACMG Guidelines, 2015. Collection method: clinical testing. Allele origin: germline. Affected: yes.

Literature cited by the submitters: PubMed 10712197 (cited by Labcorp Genetics (formerly Invitae), Labcorp); PubMed 23913538 (cited by Labcorp Genetics (formerly Invitae), Labcorp); PubMed 15146469 (cited by Labcorp Genetics (formerly Invitae), Labcorp); PubMed 21354044 (cited by Labcorp Genetics (formerly Invitae), Labcorp); PubMed 26969325 (cited by Labcorp Genetics (formerly Invitae), Labcorp).

NM_001042492.3(NF1):c.3703C>T (p.Gln1235Ter)

Gene: NF1 (neurofibromin 1; plus strand). Cytogenetic location: 17q11.2.
Variant type: single nucleotide variant.
Coding change: c.3703C>T on transcript NM_001042492.3 (MANE Select); coding-DNA position 3703, C replaced by T.
Protein change: p.Gln1235Ter; replaces glutamine 1235 with a stop codon.
Molecular consequence: nonsense.
Genome position (GRCh38, 1-based): chr17:31,233,208, C>T. VCF-style: chr17-31233208-C-T. GRCh37 (hg19) VCF-style: chr17-29560226-C-T.
Other names: c.3703C>T, p.Gln1235Ter (NM_000267.4); short protein forms Q1235*.
Identifiers: ClinVar variation 523788 (VCV000523788.15), dbSNP rs1555615109, ClinGen allele CA398990746.
Genomic context (GRCh38, chr17:31,233,208, plus strand): 5'-ATGGGTGATCAAGGAGAACTCCCTATAGCGATGGCTCTGGCCAATGTGGTTCCTTGTTCT[C>T]AGTGGGTAAGTGATTAGAGTAAGCGGGGAAGAAAAGTGCCTGGCACATAGCAAATCCTTC-3'